The following is an entry in ClinVar:

ClinVar aggregate classification (germline): Pathogenic (1 of 4 stars; one submission).

Submission:

Labcorp Genetics (formerly Invitae), Labcorp
Classification: Pathogenic. Last evaluated: 2020-06-20. Review status: criteria provided, single submitter. Criteria: Invitae Variant Classification Sherloc (09022015). Collection method: clinical testing. Allele origin: germline.
Comment: For these reasons, this variant has been classified as Pathogenic. Loss-of-function variants in MESP2 are known to be pathogenic (PMID: 9242490, 18485326). This variant has not been reported in the literature in individuals with MESP2-related conditions. The frequency data for this variant in the population databases is considered unreliable, as metrics indicate insufficient coverage at this position in the ExAC database. This sequence change creates a premature translational stop signal (p.Trp24*) in the MESP2 gene. It is expected to result in an absent or disrupted protein product.

Literature cited by the submitters: PubMed 9242490; PubMed 18485326.

NM_001039958.2(MESP2):c.72G>A (p.Trp24Ter)

Gene: MESP2 (mesoderm posterior bHLH transcription factor 2; plus strand). Cytogenetic location: 15q26.1.
Variant type: single nucleotide variant.
Coding change: c.72G>A on transcript NM_001039958.2 (MANE Select); coding-DNA position 72, G replaced by A.
Protein change: p.Trp24Ter; replaces tryptophan 24 with a stop codon.
Molecular consequence: nonsense.
Genome position (GRCh38, 1-based): chr15:89,776,429, G>A. VCF-style: chr15-89776429-G-A. GRCh37 (hg19) VCF-style: chr15-90319660-G-A.
Other names: short protein forms W24*.
Identifiers: ClinVar variation 1073707 (VCV001073707.7), dbSNP rs2141773876, ClinGen allele CA393768896.
Genomic context (GRCh38, chr15:89,776,429, plus strand): 5'-GCCTCCTCCGCAGAGCCTCCTCGGCCACGACCACTGGATCTTCGCCCAGGGCTGGGGCTG[G>A]GCCGGCCACTGGGACTCCACGTCCCCGGCCTCCTCCTCCGATTCGTCGGGTTCGTGCCCC-3'